The following is an entry in ClinVar:

NM_001164508.2(NEB):c.11540C>A (p.Thr3847Asn)

Gene: NEB (nebulin; minus strand). Cytogenetic location: 2q23.3.
Variant type: single nucleotide variant.
Coding change: c.11540C>A on transcript NM_001164508.2 (MANE Select); coding-DNA position 11540, C replaced by A.
Protein change: p.Thr3847Asn; replaces threonine 3847 with asparagine.
Molecular consequence: missense variant.
Genome position (GRCh38, 1-based): chr2:151,614,337, G>T on the plus strand (C>A on the coding strand, the complement: NEB is on the minus strand). VCF-style: chr2-151614337-G-T. GRCh37 (hg19) VCF-style: chr2-152470851-G-T.
Other names: c.11540C>A, p.Thr3847Asn (NM_001164507.2, NM_001271208.2); c.10811C>A, p.Thr3604Asn (NM_004543.5); short protein forms T3604N, T3847N.
Identifiers: ClinVar variation 941566 (VCV000941566.14), dbSNP rs766876980, ClinGen allele CA57637896.

ClinVar aggregate classification (germline): Uncertain significance. Review status: criteria provided, multiple submitters, no conflicts (2 of 4 stars). 4 submissions from 4 submitters: Uncertain significance (3). 1 of the submissions does not count toward it. Last evaluated 2026-09-14.

Conditions:
Nemaline myopathy 2 (NEM2). Also called: Nemaline myopathy 2, autosomal recessive. Identifiers: MedGen C1850569, MONDO:0009725, OMIM 256030.
NEB-related disorder. Also called: NEB-Related Disorders; NEB-related condition.

Allele frequency attached by ClinVar (database versions not stated): gnomAD exomes 0.00001; TOPMed 0.00004; gnomAD 0.00007 and 0.00009.
gnomAD v4.1: 19 of 1,613,810 alleles (0.0012%); highest among the groups gnomAD compares: African/African-American, 0.024%; no homozygotes.

Submissions (4):

PreventionGenetics, part of Exact Sciences
Classification: Uncertain significance for NEB-related condition. Last evaluated: 2026-09-14. Review status: criteria provided, single submitter. Criteria: ACMG Guidelines, 2015. Collection method: clinical testing. Allele origin: germline.
Comment: The NEB c.11540C>A variant is predicted to result in the amino acid substitution p.Thr3847Asn. To our knowledge, this variant has not been reported in the literature. This variant is reported in 0.046% of alleles in individuals of African descent in gnomAD. At this time, the clinical significance of this variant is uncertain due to the absence of conclusive functional and genetic evidence.

Revvity Omics, Revvity
Classification: Uncertain significance. Last evaluated: 2023-03-13. Review status: criteria provided, single submitter. Criteria: ACMG Guidelines, 2015. Collection method: clinical testing. Allele origin: germline.

Labcorp Genetics (formerly Invitae), Labcorp
Classification: Uncertain significance for Nemaline myopathy 2. Last evaluated: 2022-07-11. Review status: criteria provided, single submitter. Criteria: Invitae Variant Classification Sherloc (09022015). Collection method: clinical testing. Allele origin: germline.
Comment: This sequence change replaces threonine, which is neutral and polar, with asparagine, which is neutral and polar, at codon 3847 of the NEB protein (p.Thr3847Asn). This variant is present in population databases (no rsID available, gnomAD 0.05%). This variant has not been reported in the literature in individuals affected with NEB-related conditions. ClinVar contains an entry for this variant (Variation ID: 941566). Algorithms developed to predict the effect of missense changes on protein structure and function are either unavailable or do not agree on the potential impact of this missense change (SIFT: "Deleterious"; PolyPhen-2: "Not Available"; Align-GVGD: "Class C0"). In summary, the available evidence is currently insufficient to determine the role of this variant in disease. Therefore, it has been classified as a Variant of Uncertain Significance.

Natera, Inc.
Classification: Uncertain significance for Nemaline myopathy type 2. Last evaluated: 2020-06-05. Review status: no assertion criteria provided. Collection method: clinical testing. Allele origin: germline. Not counted in ClinVar's aggregate classification.